The following is an entry in ClinVar:

NM_019066.5(MAGEL2):c.1861_1862del (p.Lys621fs)

Gene: MAGEL2 (MAGE family member L2; minus strand). Cytogenetic location: 15q11.2.
Variant type: Deletion.
Coding change: c.1861_1862del on transcript NM_019066.5 (MANE Select); coding-DNA positions 1861 to 1862, 2 bases deleted (AA; older notation c.1861_1862delAA).
Protein change: p.Lys621fs; shifts the reading frame from lysine 621.
Molecular consequence: frameshift variant.
Genome position (GRCh38, 1-based): chr15:23,645,881-23,645,882, TT deleted on the plus strand (AA on the coding strand, the reverse complement: MAGEL2 is on the minus strand). VCF-style (leftmost placement, unchanged base first): chr15-23645880-CTT-C. GRCh37 (hg19) VCF-style: chr15-23891027-CTT-C.
Other names: short protein forms K621fs.
Identifiers: ClinVar variation 4819080 (VCV004819080.1).

ClinVar aggregate classification (germline): Pathogenic (1 of 4 stars; one submission).

Conditions:
Schaaf-Yang syndrome (SHFYNG). Also called: Arthrogryposis, distal, with hypopituitarism, intellectual disability, and facial anomalies; MAGEL2-related Prader-Willi-like syndrome. Identifiers: Orphanet 398069, MedGen C5575066, MONDO:0014243, OMIM 615547.

Submission:

Victorian Clinical Genetics Services, Murdoch Childrens Research Institute
Classification: Pathogenic for Schaaf-Yang syndrome. Last evaluated: 2026-01-26. Review status: criteria provided, single submitter. Criteria: ACMG Guidelines, 2015. Collection method: clinical testing. Allele origin: germline. Affected: yes.
Comment: This variant is classified as Pathogenic. Evidence in support of pathogenic classification: Variant is predicted to result in a truncated protein (premature termination codon is NOT located at least 54 nucleotides upstream of the final exon-exon junction) with at least 1/3 of the protein sequence affected; Variant is absent from gnomAD (v2, v3 and v4); Other protein truncating variant(s) comparable to the one identified in this case have very strong previous evidence for pathogenicity (DECIPHER). Additional information: This variant is heterozygous; This gene is associated with autosomal dominant disease; This variant has no previous evidence of pathogenicity; No published evidence of segregation with disease has been identified for this variant; No published functional evidence has been identified for this variant; Variant is located in the annotated MAGE homology domain (DECIPHER); Loss of function is a known mechanism of disease in this gene and is associated with Schaaf-Yang syndrome (MIM#615547); This gene is known to be maternally imprinted (OMIM); Parental origin of the variant is unresolved.